The following is an entry in ClinVar:

ClinVar aggregate classification (germline): Pathogenic (1 of 4 stars; one submission).

Submission:

Quest Diagnostics Nichols Institute San Juan Capistrano
Classification: Pathogenic. Last evaluated: 2023-05-04. Review status: criteria provided, single submitter. Criteria: ACMG/ClinGen CNV Guidelines, 2019. Collection method: clinical testing. Allele origin: unknown.
Comment: This loss involves numerous protein-coding genes, including TFAP2B (OMIM 601601). Haploinsufficiency of TFAP2B has been associated with autosomal dominant Char syndrome (OMIM 169100). There is evidence for reduced penetrance and variable expressivity (Rehm 2015). Thus, as copy number losses of this interval have been associated with a clinical phenotype, and there are no similar copy number losses of this region in the general populations of the Database of Genomic Variants, based on size, gene content, and current medical literature, this copy number variant (CNV) is classified as pathogenic. References: Rehm et al., N Engl J Med. 2015 Jun 4;372(23):2235-42. PMID: 26014595 HGNC: 11743

GRCh37/hg19 6p12.3-12.1(chr6:50181657-55538355)x1

Genes: CILK1 (ciliogenesis associated kinase 1; minus strand), EFHC1 (EF-hand domain containing 1; plus strand), ELOVL5 (ELOVL fatty acid elongase 5; minus strand), FAM83B (family with sequence similarity 83 member B; plus strand), FBXO9 (F-box protein 9; plus strand) and 27 more. Cytogenetic location: 6p12.3-12.1.
Variant type: copy number loss.
Change: copy number 1 (one copy instead of two) of chr6:50,181,657-55,538,355 (5.36 Mb, GRCh37 coordinates, 1-based), cytogenetic band 6p12.3-12.1.
Identifiers: ClinVar variation 2685203 (VCV002685203.1).